The following is an entry in ClinVar:

NM_001110556.2(FLNA):c.2150G>C (p.Cys717Ser)

Gene: FLNA (filamin A; minus strand). Cytogenetic location: Xq28.
Variant type: single nucleotide variant.
Coding change: c.2150G>C on transcript NM_001110556.2 (MANE Select); coding-DNA position 2150, G replaced by C.
Protein change: p.Cys717Ser; replaces cysteine 717 with serine.
Molecular consequence: missense variant.
Genome position (GRCh38, 1-based): chrX:154,364,152, C>G on the plus strand (G>C on the coding strand, the complement: FLNA is on the minus strand). VCF-style: chrX-154364152-C-G. GRCh37 (hg19) VCF-style: chrX-153592520-C-G.
Other names: c.2150G>C, p.Cys717Ser (NM_001456.4); short protein forms C717S.
Identifiers: ClinVar variation 4789594 (VCV004789594.1).

ClinVar aggregate classification (germline): Uncertain significance (1 of 4 stars; one submission).

Conditions:
Heterotopia, periventricular, X-linked dominant (PVNH1). Also called: PERIVENTRICULAR NODULAR HETEROTOPIA 4; HETEROTOPIA, PERIVENTRICULAR, 1; PERIVENTRICULAR NODULAR HETEROTOPIA 1; X-linked periventricular heterotopia. Identifiers: Orphanet 2149, Orphanet 82004, MedGen C1848213, MONDO:0010233, OMIM 300049.
Oto-palato-digital syndrome, type II (OPD2). Also called: Otopalatodigital Syndrome, Type II; FACIOPALATOOSSEOUS SYNDROME; OPD II SYNDROME; Otopalatodigital Syndrome Type 2 (FLNA-OPD2). Identifiers: Orphanet 669, Orphanet 90652, MedGen C1844696, MONDO:0010571, OMIM 304120.
Melnick-Needles syndrome (MNS). Also called: MELNICK-NEEDLES OSTEODYSPLASTY; OSTEODYSPLASTY OF MELNICK AND NEEDLES; Melnick-Needles Syndrome (FLNA-MNS). Identifiers: Orphanet 2484, MedGen C0025237, MONDO:0010650, OMIM 309350.
Frontometaphyseal dysplasia (FMD1). Identifiers: Orphanet 1826, MedGen C0265293, MONDO:0015942.

Submission:

Labcorp Genetics (formerly Invitae), Labcorp
Classification: Uncertain significance for Oto-palato-digital syndrome, type II; Heterotopia, periventricular, X-linked dominant; Frontometaphyseal dysplasia; Melnick-Needles syndrome. Last evaluated: 2025-09-26. Review status: criteria provided, single submitter. Criteria: Invitae Variant Classification Sherloc (09022015). Collection method: clinical testing. Allele origin: germline.
Comment: This sequence change replaces cysteine, which is neutral and slightly polar, with serine, which is neutral and polar, at codon 717 of the FLNA protein (p.Cys717Ser). This variant is not present in population databases (gnomAD no frequency). This variant has not been reported in the literature in individuals affected with FLNA-related conditions. Invitae Evidence Modeling of protein sequence and biophysical properties (such as structural, functional, and spatial information, amino acid conservation, physicochemical variation, residue mobility, and thermodynamic stability) indicates that this missense variant is not expected to disrupt FLNA protein function with a negative predictive value of 95%. In summary, the available evidence is currently insufficient to determine the role of this variant in disease. Therefore, it has been classified as a Variant of Uncertain Significance.